The following is an entry in ClinVar:

NM_002439.5(MSH3):c.508GAT[1] (p.Asp171del)

Gene: MSH3 (mutS homolog 3; plus strand). Cytogenetic location: 5q14.1.
Variant type: Microsatellite.
Coding change: c.508GAT[1] on transcript NM_002439.5 (MANE Select); one copy of the 3-base unit GAT starting at c.508; the reference has two copies in a row; one copy, 3 bases deleted.
Protein change: p.Asp171del; deletes aspartic acid 171.
Molecular consequence: inframe deletion.
Genome position (GRCh38, 1-based): chr5:80,665,295-80,665,297, GAT deleted; deleting any 3 consecutive bases within chr5:80,665,291-80,665,297 gives the same sequence; the position shown is the placement nearest the transcript's 3' end. VCF-style (leftmost placement, unchanged base first): chr5-80665290-TTGA-T. GRCh37 (hg19) VCF-style: chr5-79961109-TTGA-T.
Other names: c.511_513delGAT (NM_002439.3); short protein forms D171del.
Identifiers: ClinVar variation 943239 (VCV000943239.10), dbSNP rs1749544608, ClinGen allele CA1558453296.

ClinVar aggregate classification (germline): Uncertain significance. Review status: criteria provided, multiple submitters, no conflicts (2 of 4 stars). 3 submissions from 3 submitters: Uncertain significance (3). Last evaluated 2024-10-21.

Conditions:
Hereditary cancer-predisposing syndrome. Also called: Neoplastic Syndromes, Hereditary; Hereditary Cancer Syndrome; Tumor predisposition; Hereditary neoplastic syndrome. Identifiers: Orphanet 140162, MedGen C0027672, MeSH D009386, MONDO:0015356.

Submissions (3):

Labcorp Genetics (formerly Invitae), Labcorp
Classification: Uncertain significance. Last evaluated: 2024-10-21. Review status: criteria provided, single submitter. Criteria: Invitae Variant Classification Sherloc (09022015). Collection method: clinical testing. Allele origin: germline.
Comment: This variant, c.511_513del, results in the deletion of 1 amino acid(s) of the MSH3 protein (p.Asp171del), but otherwise preserves the integrity of the reading frame. This variant is not present in population databases (gnomAD no frequency). This variant has not been reported in the literature in individuals affected with MSH3-related conditions. ClinVar contains an entry for this variant (Variation ID: 943239). Experimental studies and prediction algorithms are not available or were not evaluated, and the functional significance of this variant is currently unknown. In summary, the available evidence is currently insufficient to determine the role of this variant in disease. Therefore, it has been classified as a Variant of Uncertain Significance.

Ambry Genetics
Classification: Uncertain significance for Hereditary cancer-predisposing syndrome. Last evaluated: 2024-05-28. Review status: criteria provided, single submitter. Criteria: Ambry Variant Classification Scheme 2023. Collection method: clinical testing. Allele origin: germline.
Comment: The c.511_513delGAT variant (also known as p.D171del) is located in coding exon 3 of the MSH3 gene. This variant results from an in-frame GAT deletion at nucleotide positions 511 to 513. This results in the in-frame deletion of an aspartic acid at codon 171. This amino acid position is highly conserved in available vertebrate species. In addition, this alteration is predicted to be neutral by in silico analysis (Choi Y et al. PLoS ONE. 2012; 7(10):e46688). Based on the available evidence, the clinical significance of this variant remains unclear.

GeneDx
Classification: Uncertain significance. Last evaluated: 2022-03-13. Review status: criteria provided, single submitter. Criteria: GeneDx Variant Classification Process June 2021. Collection method: clinical testing. Allele origin: germline. Affected: yes.
Comment: Not observed at significant frequency in large population cohorts (gnomAD); In-frame deletion of one amino acid in a non-repeat region; In silico analysis supports that this variant does not alter protein structure/function; Has not been previously published as pathogenic or benign to our knowledge; Variants in candidate genes are classified as variants of uncertain significance in accordance with ACMG guidelines (Richards et al., 2015)